The following is an entry in ClinVar:

NM_053025.4(MYLK):c.3563A>G (p.Asp1188Gly)

Gene: MYLK (myosin light chain kinase; minus strand). Cytogenetic location: 3q21.1.
Variant type: single nucleotide variant.
Coding change: c.3563A>G on transcript NM_053025.4 (MANE Select); coding-DNA position 3563, A replaced by G.
Protein change: p.Asp1188Gly; replaces aspartic acid 1188 with glycine.
Molecular consequence: missense variant.
Genome position (GRCh38, 1-based): chr3:123,692,737, T>C on the plus strand (A>G on the coding strand, the complement: MYLK is on the minus strand). VCF-style: chr3-123692737-T-C. GRCh37 (hg19) VCF-style: chr3-123411584-T-C.
Other names: c.3035A>G, p.Asp1012Gly (NM_001321309.2); c.3356A>G, p.Asp1119Gly (NM_053026.4, NM_053028.4); c.3563A>G, p.Asp1188Gly (NM_053027.4); short protein forms D1119G, D1188G, D1012G.
Identifiers: ClinVar variation 3712842 (VCV003712842.2).

ClinVar aggregate classification (germline): Uncertain significance (1 of 4 stars; one submission).

Conditions:
Aortic aneurysm, familial thoracic 7 (AAT7). Also called: AORTIC DISSECTION, FAMILIAL, WITH OR WITHOUT AORTIC ANEURYSM. Identifiers: MedGen C3151077, MONDO:0013418, OMIM 613780.

gnomAD v4.1: 1 of 1,612,268 alleles (0.000062%); highest among the groups gnomAD compares: Admixed American, 0.0017%; no homozygotes.

Submission:

Labcorp Genetics (formerly Invitae), Labcorp
Classification: Uncertain significance for Aortic aneurysm, familial thoracic 7. Last evaluated: 2025-01-23. Review status: criteria provided, single submitter. Criteria: Invitae Variant Classification Sherloc (09022015). Collection method: clinical testing. Allele origin: germline.
Comment: This sequence change replaces aspartic acid, which is acidic and polar, with glycine, which is neutral and non-polar, at codon 1188 of the MYLK protein (p.Asp1188Gly). This variant is present in population databases (no rsID available, gnomAD 0.003%). This variant has not been reported in the literature in individuals affected with MYLK-related conditions. An algorithm developed to predict the effect of missense changes on protein structure and function (PolyPhen-2) suggests that this variant is likely to be tolerated. In summary, the available evidence is currently insufficient to determine the role of this variant in disease. Therefore, it has been classified as a Variant of Uncertain Significance.